The following is an entry in ClinVar:

NC_000010.11:g.(?_71643861)_(71647732_?)del

Gene: CDH23 (cadherin related 23; plus strand). Cytogenetic location: 10q22.1.
Variant type: Deletion.
Identifiers: ClinVar variation 833313 (VCV000833313.2).

ClinVar aggregate classification (germline): Uncertain significance (1 of 4 stars; one submission).

Submission:

Labcorp Genetics (formerly Invitae), Labcorp
Classification: Uncertain significance. Last evaluated: 2019-09-11. Review status: criteria provided, single submitter. Criteria: Invitae Variant Classification Sherloc (09022015). Collection method: clinical testing. Allele origin: germline.
Comment: This variant is an in-frame deletion of the genomic region encompassing exons 12-14 of the CDH23 gene. It preserves the integrity of the reading frame. This variant has not been reported in the literature in individuals with CDH23-related conditions. Experimental studies and prediction algorithms are not available or were not evaluated for this variant, and the functional significance of this variant is currently unknown. In summary, the available evidence is currently insufficient to determine the role of this variant in disease. Therefore, it has been classified as a Variant of Uncertain Significance.